The following is an entry in ClinVar:

ClinVar aggregate classification (germline): Uncertain significance. Review status: criteria provided, multiple submitters, no conflicts (2 of 4 stars). 2 submissions from 2 submitters: Uncertain significance (2). Last evaluated 2025-09-23.

Conditions:
Familial cold autoinflammatory syndrome 2 (FCAS2). Identifiers: Orphanet 247868, MedGen C2673198, MONDO:0012724, OMIM 611762.
Inborn genetic diseases. Identifiers: MedGen C0950123, MeSH D030342.

gnomAD v4.1: 11 of 1,614,094 alleles (0.00068%); highest among the groups gnomAD compares: Non-Finnish European, 0.00093%; no homozygotes.

Submissions (2):

Labcorp Genetics (formerly Invitae), Labcorp
Classification: Uncertain significance for Familial cold autoinflammatory syndrome 2. Last evaluated: 2025-09-23. Review status: criteria provided, single submitter. Criteria: Invitae Variant Classification Sherloc (09022015). Collection method: clinical testing. Allele origin: germline.
Comment: This sequence change replaces serine, which is neutral and polar, with isoleucine, which is neutral and non-polar, at codon 270 of the NLRP12 protein (p.Ser270Ile). This variant is not present in population databases (gnomAD no frequency). This variant has not been reported in the literature in individuals affected with NLRP12-related conditions. ClinVar contains an entry for this variant (Variation ID: 3200570). Invitae Evidence Modeling of protein sequence and biophysical properties (such as structural, functional, and spatial information, amino acid conservation, physicochemical variation, residue mobility, and thermodynamic stability) indicates that this missense variant is not expected to disrupt NLRP12 protein function with a negative predictive value of 80%. In summary, the available evidence is currently insufficient to determine the role of this variant in disease. Therefore, it has been classified as a Variant of Uncertain Significance.

Ambry Genetics
Classification: Uncertain significance for Inborn genetic diseases. Last evaluated: 2023-10-05. Review status: criteria provided, single submitter. Criteria: Ambry Variant Classification Scheme 2023. Collection method: clinical testing. Allele origin: germline.

NM_144687.4(NLRP12):c.809G>T (p.Ser270Ile)

Gene: NLRP12 (NLR family pyrin domain containing 12; minus strand). Cytogenetic location: 19q13.42.
Variant type: single nucleotide variant.
Coding change: c.809G>T on transcript NM_144687.4 (MANE Select); coding-DNA position 809, G replaced by T.
Protein change: p.Ser270Ile; replaces serine 270 with isoleucine.
Molecular consequence: missense variant.
Genome position (GRCh38, 1-based): chr19:53,810,850, C>A on the plus strand (G>T on the coding strand, the complement: NLRP12 is on the minus strand). VCF-style: chr19-53810850-C-A. GRCh37 (hg19) VCF-style: chr19-54314104-C-A.
Other names: c.809G>T, p.Ser270Ile (NM_001277126.2, NM_001277129.1); short protein forms S270I.
Identifiers: ClinVar variation 3200570 (VCV003200570.2), dbSNP rs2514348118, ClinGen allele CA407415746.